The following is an entry in ClinVar:

ClinVar aggregate classification (germline): Pathogenic/Likely pathogenic. Review status: criteria provided, multiple submitters, no conflicts (2 of 4 stars). 3 submissions from 3 submitters: Pathogenic (1); Likely pathogenic (1). 1 of the submissions does not count toward it. Last evaluated 2025-03-25.

Conditions:
SERPINA1-related disorder. Also called: SerpinA1-related disorders; SERPINA1-related condition.
Alpha-1-antitrypsin deficiency (A1ATD). Also called: AAT deficiency; A1AT deficiency; Alpha1-Antitrypsin Deficiency. Identifiers: Orphanet 60, MedGen C0221757, MONDO:0013282, OMIM 613490.

Allele frequency attached by ClinVar (database versions not stated): gnomAD exomes below 0.00001 and 0.00001.

Submissions (3):

Women's Health and Genetics/Laboratory Corporation of America, LabCorp
Classification: Likely pathogenic for Alpha-1-antitrypsin deficiency. Last evaluated: 2025-03-25. Review status: criteria provided, single submitter. Criteria: LabCorp Variant Classification Summary - May 2015. Collection method: clinical testing. Allele origin: germline.
Comment: Variant summary: SERPINA1 c.1226T>C (p.Met409Thr) results in a non-conservative amino acid change in the encoded protein sequence. Three of five in-silico tools predict a benign effect of the variant on protein function. The variant allele was found at a frequency of 8e-06 in 251464 control chromosomes. c.1226T>C has been reported in the literature in the compound heterozygous state together with the Z allele in two individuals affected with Alpha-1-Antitrypsin Deficiency and in the heterozygous state in an individual suspected of Alpha-1-Antitrypsin Deficiency with reduced AAT serum levels (e.g. Zhan_2012, Grham_2015, Kueppers_2019). These data indicate that the variant may be associated with disease. At least one publication reports experimental evidence evaluating an impact on protein function. The variant resulted in decreased sectretion as a functional monomer and reduced neutrophil elastase inhibitory activity in vitro (Sun_2025). The following publications have been ascertained in the context of this evaluation (PMID: 26321041, 31307431, 39809267, 22330941). ClinVar contains an entry for this variant (Variation ID: 440487). Based on the evidence outlined above, the variant was classified as likely pathogenic.

HerediLab, Inc.
Classification: Pathogenic for Alpha-1 Antitrypsin Deficiency. Last evaluated: 2016-09-15. Review status: criteria provided, single submitter. Criteria: HerediLab_Assertion_Criteria. Collection method: clinical testing. Allele origin: germline. Affected: yes.

PreventionGenetics, part of Exact Sciences
Classification: Likely pathogenic for SERPINA1-related condition. Last evaluated: 2024-07-11. Review status: no assertion criteria provided. Collection method: clinical testing. Allele origin: germline. Not counted in ClinVar's aggregate classification.
Comment: The SERPINA1 c.1226T>C variant is predicted to result in the amino acid substitution p.Met409Thr. This variant, also known as M385T using legacy nomenclature, has been reported in the compound heterozygous state with the "Z" allele in two individuals with alpha-1-antitrypsin deficiency (Zhan et al. 2012. PubMed ID: 22330941; Graham et al. 2015. PubMed ID: 26321041). This variant has also been reported in the heterozygous state in an individual with alpha-1-antitrypsin deficiency (Kueppers et al. 2019. PubMed ID: 31307431). This variant is reported in 0.00088% of alleles in individuals of European (Non-Finnish) descent in gnomAD. This variant is interpreted as likely pathogenic.

Literature cited by the submitters: PubMed 31307431 (cited by Women's Health and Genetics/Laboratory Corporation of America, LabCorp); PubMed 26321041 (cited by Women's Health and Genetics/Laboratory Corporation of America, LabCorp); PubMed 39809267 (cited by Women's Health and Genetics/Laboratory Corporation of America, LabCorp); PubMed 22330941 (cited by Women's Health and Genetics/Laboratory Corporation of America, LabCorp).

NM_000295.5(SERPINA1):c.1226T>C (p.Met409Thr)

Gene: SERPINA1 (serpin family A member 1; minus strand). Cytogenetic location: 14q32.13.
Variant type: single nucleotide variant.
Coding change: c.1226T>C on transcript NM_000295.5 (MANE Select); coding-DNA position 1226, T replaced by C.
Protein change: p.Met409Thr; replaces methionine 409 with threonine.
Molecular consequence: missense variant.
Genome position (GRCh38, 1-based): chr14:94,378,480, A>G on the plus strand (T>C on the coding strand, the complement: SERPINA1 is on the minus strand). VCF-style: chr14-94378480-A-G. GRCh37 (hg19) VCF-style: chr14-94844817-A-G.
Other names: c.1226T>C, p.Met409Thr (NM_001002235.3, NM_001002236.3, NM_001127700.2 and 7 more transcripts); c.1226T>C (NM_000295.4); short protein forms M409T.
Identifiers: ClinVar variation 440487 (VCV000440487.4), dbSNP rs1488213352, ClinGen allele CA390847337.
Genomic context (GRCh38, chr14:94,378,480, plus strand): 5'-GAGGGGAGGGGTTGAGGAGCGAGAGGCAGTTATTTTTGGGTGGGATTCACCACTTTTCCC[A>G]TGAAGAGGGGAGACTTGGTATTTTGTTCAATCATTAAGAAGACAAAGGGTTTGTTGAACT-3'
Protein context (NP_000286.3, residues 399-418): IEQNTKSPLF[Met409Thr]GKVVNPTQK